The following is an entry in ClinVar:

ClinVar aggregate classification (germline): Uncertain significance (1 of 4 stars; one submission).

Conditions:
Inborn genetic diseases. Identifiers: MedGen C0950123, MeSH D030342.

gnomAD v4.1: 4 of 1,614,206 alleles (0.00025%); highest among the groups gnomAD compares: Non-Finnish European, 0.00034%; no homozygotes.

Submission:

Ambry Genetics
Classification: Uncertain significance for Inborn genetic diseases. Last evaluated: 2025-06-12. Review status: criteria provided, single submitter. Criteria: Ambry Variant Classification Scheme 2023. Collection method: clinical testing. Allele origin: germline.
Comment: The p.T595A variant (also known as c.1783A>G), located in coding exon 8 of the MECOM gene, results from an A to G substitution at nucleotide position 1783. The threonine at codon 595 is replaced by alanine, an amino acid with similar properties. This amino acid position is conserved. In addition, this alteration is predicted to be tolerated by in silico analysis. Based on the available evidence, the clinical significance of this variant remains unclear.

NM_004991.4(MECOM):c.1783A>G (p.Thr595Ala)

Gene: MECOM (MDS1 and EVI1 complex locus; minus strand). Cytogenetic location: 3q26.2.
Variant type: single nucleotide variant.
Coding change: c.1783A>G on transcript NM_004991.4 (MANE Select); coding-DNA position 1783, A replaced by G.
Protein change: p.Thr595Ala; replaces threonine 595 with alanine.
Molecular consequence: missense variant. On other transcripts: intron variant (2).
Genome position (GRCh38, 1-based): chr3:169,116,089, T>C on the plus strand (A>G on the coding strand, the complement: MECOM is on the minus strand). VCF-style: chr3-169116089-T-C. GRCh37 (hg19) VCF-style: chr3-168833877-T-C.
Other names: c.1414A>G, p.Thr472Ala (NM_001105077.4); c.1219A>G, p.Thr407Ala (NM_001105078.4, NM_001164000.2, NM_001205194.2 and 4 more transcripts); c.1222A>G, p.Thr408Ala (NM_001163999.2, NM_001366467.2, NM_001366468.2 and 1 more transcripts); c.1783A>G, p.Thr595Ala (NM_001366466.2); c.1133-322A>G (NM_001366473.2); c.569-322A>G (NM_001366474.2); short protein forms T408A, T595A, T407A, T472A.
Identifiers: ClinVar variation 4053343 (VCV004053343.1).